The following is an entry in ClinVar:

ClinVar aggregate classification (germline): Uncertain significance. Review status: criteria provided, multiple submitters, no conflicts (2 of 4 stars). 2 submissions from 2 submitters: Uncertain significance (2). Last evaluated 2025-06-07.

Conditions:
Fanconi anemia (FA). Also called: Fanconi's anemia. Identifiers: Orphanet 84, MedGen C0015625, MeSH D005199, MONDO:0019391.
Inborn genetic diseases. Identifiers: MedGen C0950123, MeSH D030342.

gnomAD v4.1: 1 of 1,614,150 alleles (0.000062%); highest among the groups gnomAD compares: South Asian, 0.0011%; no homozygotes.

Submissions (2):

Ambry Genetics
Classification: Uncertain significance for Inborn genetic diseases. Last evaluated: 2025-06-07. Review status: criteria provided, single submitter. Criteria: Ambry Variant Classification Scheme 2023. Collection method: clinical testing. Allele origin: germline.

Labcorp Genetics (formerly Invitae), Labcorp
Classification: Uncertain significance for Fanconi anemia. Last evaluated: 2024-08-19. Review status: criteria provided, single submitter. Criteria: Invitae Variant Classification Sherloc (09022015). Collection method: clinical testing. Allele origin: germline.
Comment: This sequence change replaces aspartic acid, which is acidic and polar, with histidine, which is basic and polar, at codon 1200 of the SLX4 protein (p.Asp1200His). This variant is not present in population databases (gnomAD no frequency). This variant has not been reported in the literature in individuals affected with SLX4-related conditions. An algorithm developed to predict the effect of missense changes on protein structure and function (PolyPhen-2) suggests that this variant is likely to be disruptive. In summary, the available evidence is currently insufficient to determine the role of this variant in disease. Therefore, it has been classified as a Variant of Uncertain Significance.

NM_032444.4(SLX4):c.3598G>C (p.Asp1200His)

Gene: SLX4 (SLX4 structure-specific endonuclease subunit; minus strand). Cytogenetic location: 16p13.3.
Variant type: single nucleotide variant.
Coding change: c.3598G>C on transcript NM_032444.4 (MANE Select); coding-DNA position 3598, G replaced by C.
Protein change: p.Asp1200His; replaces aspartic acid 1200 with histidine.
Molecular consequence: missense variant.
Genome position (GRCh38, 1-based): chr16:3,590,040, C>G on the plus strand (G>C on the coding strand, the complement: SLX4 is on the minus strand). VCF-style: chr16-3590040-C-G. GRCh37 (hg19) VCF-style: chr16-3640041-C-G.
Other names: short protein forms D1200H.
Identifiers: ClinVar variation 3669326 (VCV003669326.3).